The following is an entry in ClinVar:

ClinVar aggregate classification (germline): Likely benign (0 of 4 stars; one submission).

Conditions:
CDH13-related disorder. Also called: CDH13-related condition.

Allele frequency attached by ClinVar (database versions not stated): TOPMed 0.00001.
gnomAD v4.1: 6 of 1,613,806 alleles (0.00037%); highest among the groups gnomAD compares: Non-Finnish European, 0.00051%; no homozygotes.

Submission:

PreventionGenetics, part of Exact Sciences
Classification: Likely benign for CDH13-related condition. Last evaluated: 2019-07-03. Review status: no assertion criteria provided. Collection method: clinical testing. Allele origin: germline.
Comment: This variant is classified as likely benign based on ACMG/AMP sequence variant interpretation guidelines (Richards et al. 2015 PMID: 25741868, with internal and published modifications).

NM_001257.5(CDH13):c.1749G>T (p.Pro583=)

Gene: CDH13 (cadherin 13; plus strand). Cytogenetic location: 16q23.3.
Variant type: single nucleotide variant.
Coding change: c.1749G>T on transcript NM_001257.5 (MANE Select); coding-DNA position 1749, G replaced by T.
Protein change: p.Pro583=; no amino-acid change (proline 583 retained).
Molecular consequence: synonymous variant.
Genome position (GRCh38, 1-based): chr16:83,780,035, G>T. VCF-style: chr16-83780035-G-T. GRCh37 (hg19) VCF-style: chr16-83813640-G-T.
Other names: c.1890G>T, p.Pro630= (NM_001220488.2); c.1632G>T, p.Pro544= (NM_001220489.2); c.987G>T, p.Pro329= (NM_001220490.2).
Identifiers: ClinVar variation 3043561 (VCV003043561.2), dbSNP rs541617175, ClinGen allele CA497000863.